The following is an entry in ClinVar:

NM_001276270.2(MBD4):c.1195_1196del (p.Pro399fs)

Gene: MBD4 (methyl-CpG binding domain 4, DNA glycosylase; minus strand). Cytogenetic location: 3q21.3.
Variant type: Deletion.
Coding change: c.1195_1196del on transcript NM_001276270.2 (MANE Select); coding-DNA positions 1195 to 1196, 2 bases deleted (CC; older notation c.1195_1196delCC).
Protein change: p.Pro399fs; shifts the reading frame from proline 399.
Molecular consequence: frameshift variant.
Genome position (GRCh38, 1-based): chr3:129,434,124-129,434,125, GG deleted on the plus strand (CC on the coding strand, the reverse complement: MBD4 is on the minus strand); deleting any 2 consecutive bases within chr3:129,434,124-129,434,126 gives the same sequence; the c. name uses the placement nearest the transcript's 3' end. VCF-style (leftmost placement, unchanged base first): chr3-129434123-TGG-T. GRCh37 (hg19) VCF-style: chr3-129152966-TGG-T.
Other names: c.1213_1214del, p.Pro405fs (NM_001276271.2, NM_001276272.2, NM_003925.3); c.259_260del, p.Pro87fs (NM_001276273.2); short protein forms P405fs, P399fs, P87fs.
Identifiers: ClinVar variation 4716120 (VCV004716120.1).
Genomic context (GRCh38, chr3:129,434,123, plus strand): 5'-TTCTTTGTTATATTTGCTGGAAAAATACAGGCTTGTTTTCCTTCTTTCTATCTGTGTTCG[TGG>T]GATGGTATCTTCTGAAAAGGAAAAGTAAACACTTTATGGAGTCTATGGTTTAGCTTAAAG-3'

ClinVar aggregate classification (germline): Pathogenic (1 of 4 stars; one submission).

Submission:

Labcorp Genetics (formerly Invitae), Labcorp
Classification: Pathogenic. Last evaluated: 2025-09-08. Review status: criteria provided, single submitter. Criteria: Invitae Variant Classification Sherloc (09022015). Collection method: clinical testing. Allele origin: germline.
Comment: This sequence change creates a premature translational stop signal (p.Pro405Thrfs*18) in the MBD4 gene. It is expected to result in an absent or disrupted protein product. Loss-of-function variants in MBD4 are known to be pathogenic (PMID: 30049810, 35460607). This variant is not present in population databases (gnomAD no frequency). This variant has not been reported in the literature in individuals affected with MBD4-related conditions. For these reasons, this variant has been classified as Pathogenic.

Literature cited by the submitters: PubMed 30049810; PubMed 35460607.